The following is an entry in ClinVar:

ClinVar aggregate classification (germline): Uncertain significance (1 of 4 stars; one submission).

Conditions:
Cardiovascular phenotype. Identifiers: MedGen CN230736.

Submission:

Ambry Genetics
Classification: Uncertain significance for Cardiovascular phenotype. Last evaluated: 2025-03-09. Review status: criteria provided, single submitter. Criteria: Ambry Variant Classification Scheme 2023. Collection method: clinical testing. Allele origin: germline.
Comment: The p.K3699N variant (also known as c.11097A>T), located in coding exon 2 of the ZNF469 gene, results from an A to T substitution at nucleotide position 11097. The lysine at codon 3699 is replaced by asparagine, an amino acid with similar properties. This amino acid position is conserved. In addition, this alteration is predicted to be tolerated by in silico analysis. Based on the available evidence, the clinical significance of this variant remains unclear.

NM_001367624.2(ZNF469):c.11181A>T (p.Lys3727Asn)

Gene: ZNF469 (zinc finger protein 469; plus strand). Cytogenetic location: 16q24.2.
Variant type: single nucleotide variant.
Coding change: c.11181A>T on transcript NM_001367624.2 (MANE Select); coding-DNA position 11181, A replaced by T.
Protein change: p.Lys3727Asn; replaces lysine 3727 with asparagine.
Molecular consequence: missense variant.
Genome position (GRCh38, 1-based): chr16:88,438,651, A>T. VCF-style: chr16-88438651-A-T. GRCh37 (hg19) VCF-style: chr16-88505059-A-T.
Other names: NM_001127464.1:c.11097A>T; short protein forms K3727N.
Identifiers: ClinVar variation 3821172 (VCV003821172.1).